The following is an entry in ClinVar:

NM_022455.5(NSD1):c.7750G>A (p.Val2584Ile)

Gene: NSD1 (nuclear receptor binding SET domain protein 1; plus strand). Cytogenetic location: 5q35.3.
Variant type: single nucleotide variant.
Coding change: c.7750G>A on transcript NM_022455.5 (MANE Select); coding-DNA position 7750, G replaced by A.
Protein change: p.Val2584Ile; replaces valine 2584 with isoleucine.
Molecular consequence: missense variant.
Genome position (GRCh38, 1-based): chr5:177,295,118, G>A. VCF-style: chr5-177295118-G-A. GRCh37 (hg19) VCF-style: chr5-176722119-G-A.
Other names: c.6877G>A, p.Val2293Ile (NM_001365684.2, NM_001409308.1, NM_172349.5); c.7750G>A, p.Val2584Ile (NM_001409301.1, NM_001409302.1, NM_001409303.1); c.7330G>A, p.Val2444Ile (NM_001409304.1); c.6997G>A, p.Val2333Ile (NM_001409305.1); c.6988G>A, p.Val2330Ile (NM_001409306.1, NM_001409307.1); c.6628G>A, p.Val2210Ile (NM_001409309.1); short protein forms V2293I, V2210I, V2330I, V2333I, V2584I, V2444I.
Identifiers: ClinVar variation 3684209 (VCV003684209.2).

ClinVar aggregate classification (germline): Uncertain significance (1 of 4 stars; one submission).

gnomAD v4.1: 4 of 1,613,242 alleles (0.00025%); highest among the groups gnomAD compares: Non-Finnish European, 0.00034%; no homozygotes.

Submission:

Labcorp Genetics (formerly Invitae), Labcorp
Classification: Uncertain significance. Last evaluated: 2022-11-11. Review status: criteria provided, single submitter. Criteria: Invitae Variant Classification Sherloc (09022015). Collection method: clinical testing. Allele origin: germline.
Comment: This sequence change replaces valine, which is neutral and non-polar, with isoleucine, which is neutral and non-polar, at codon 2584 of the NSD1 protein (p.Val2584Ile). This variant is not present in population databases (gnomAD no frequency). This variant has not been reported in the literature in individuals affected with NSD1-related conditions. Advanced modeling of protein sequence and biophysical properties (such as structural, functional, and spatial information, amino acid conservation, physicochemical variation, residue mobility, and thermodynamic stability) performed at Invitae indicates that this missense variant is not expected to disrupt NSD1 protein function. In summary, the available evidence is currently insufficient to determine the role of this variant in disease. Therefore, it has been classified as a Variant of Uncertain Significance.